The following is an entry in ClinVar:

ClinVar aggregate classification (germline): Likely pathogenic (1 of 4 stars; one submission).

Conditions:
Dilated cardiomyopathy 1CC (CMD1CC). Identifiers: Orphanet 154, MedGen C2751084, MONDO:0013147, OMIM 613122.

Submission:

Victorian Clinical Genetics Services, Murdoch Childrens Research Institute
Classification: Likely pathogenic for Dilated cardiomyopathy 1CC. Last evaluated: 2026-06-03. Review status: criteria provided, single submitter. Criteria: ACMG Guidelines, 2015. Collection method: clinical testing. Allele origin: germline. Affected: yes.
Comment: This variant is classified as Likely pathogenic. Evidence in support of pathogenic classification: Variant is predicted to cause nonsense-mediated decay (NMD) and loss of protein (premature termination codon is located at least 54 nucleotides upstream of the final exon-exon junction); Variant is absent from gnomAD (v2, v3 and v4); Other NMD-predicted variants comparable to the one identified in this case have moderate previous evidence for pathogenicity. ClinVar contains many VUS entries for other NMD-predicted variants. ClinVar also contains some pathogenic or likely pathogenic entries, the majority of which were submitted by one clinical laboratory. NMD-predicted variants have also been reported in unrelated individuals with dilated cardiomyopathy, idiopathic ventricular fibrillation and sudden infant death syndrome, with homozygous or compound heterozygous individuals typically displaying a more severe phenotype (PMIDs: 35166435, 38059363, 39183344). Additional information: This variant is heterozygous; This gene is associated with both recessive and dominant disease. It has been reported that autosomal recessive inheritance typically leads to a severe early onset phenotype, while autosomal dominant inheritance causes a later onset phenotype (PMIDs: 32058062, 33949776, 37209000); Alternative NMD-predicted variants are present in gnomAD (highest allele count: v4: 67 heterozygote(s), 0 homozygote(s)); This variant has no previous evidence of pathogenicity; No published evidence of segregation with disease has been identified for this variant; No published functional evidence has been identified for this variant; The mechanism of disease for this gene is not clearly established. However, functional studies have suggested both dominant negative or loss of function mechanisms (PMIDs: 19881492, 20970104, 32814711); The condition associated with this gene has incomplete penetrance (PMID: 35166435); Variants in this gene are known to have variable expressivity. Intrafamilial variability has been observed (PMID: 35166435).

Literature cited by the submitters: PubMed 20970104; PubMed 32058062; PubMed 32814711; PubMed 19881492; PubMed 38059363; PubMed 35166435; PubMed 39183344; PubMed 37209000; PubMed 33949776.

NM_144573.4(NEXN):c.428T>G (p.Leu143Ter)

Genes: NEXN (nexilin F-actin binding protein; plus strand), LOC126805765 (BRD4-independent group 4 enhancer GRCh37_chr1:78383688-78384887; plus strand). Cytogenetic location: 1p31.1.
Variant type: single nucleotide variant.
Coding change: c.428T>G on transcript NM_144573.4 (MANE Select); coding-DNA position 428, T replaced by G.
Protein change: p.Leu143Ter; replaces leucine 143 with a stop codon.
Molecular consequence: nonsense.
Genome position (GRCh38, 1-based): chr1:77,918,254, T>G. VCF-style: chr1-77918254-T-G. GRCh37 (hg19) VCF-style: chr1-78383939-T-G.
Other names: c.236T>G, p.Leu79Ter (NM_001172309.2); short protein forms L143*, L79*.
Identifiers: ClinVar variation 4879655 (VCV004879655.1).